The following is an entry in ClinVar:

NM_000023.4(SGCA):c.828C>A (p.Cys276Ter)

Gene: SGCA (sarcoglycan alpha; plus strand). Cytogenetic location: 17q21.33.
Variant type: single nucleotide variant.
Coding change: c.828C>A on transcript NM_000023.4 (MANE Select); coding-DNA position 828, C replaced by A.
Protein change: p.Cys276Ter; replaces cysteine 276 with a stop codon.
Molecular consequence: nonsense. On other transcripts: intron variant (1).
Genome position (GRCh38, 1-based): chr17:50,170,223, C>A. VCF-style: chr17-50170223-C-A. GRCh37 (hg19) VCF-style: chr17-48247584-C-A.
Other names: c.585-417C>A (NM_001135697.3); short protein forms C276*.
Identifiers: ClinVar variation 1453960 (VCV001453960.6), dbSNP rs2144500924, ClinGen allele CA400182061.

ClinVar aggregate classification (germline): Pathogenic (1 of 4 stars; one submission).

Conditions:
Autosomal recessive limb-girdle muscular dystrophy type 2D (LGMDR3). Also called: DUCHENNE-LIKE AUTOSOMAL RECESSIVE MUSCULAR DYSTROPHY, TYPE 2; MUSCULAR DYSTROPHY, LIMB-GIRDLE, AUTOSOMAL RECESSIVE 3; ADHALINOPATHY, PRIMARY. Identifiers: Orphanet 62, MedGen C2936332, MONDO:0011968, OMIM 608099. Disease mechanism: Affects gamma-sarcoglycan and also disrupts the integrity of the entire sarcoglycan complex..

gnomAD v4.1: 1 of 1,614,130 alleles (0.000062%); highest among the groups gnomAD compares: Non-Finnish European, 0.000085%; no homozygotes.

Submission:

Labcorp Genetics (formerly Invitae), Labcorp
Classification: Pathogenic for Autosomal recessive limb-girdle muscular dystrophy type 2D. Last evaluated: 2021-07-30. Review status: criteria provided, single submitter. Criteria: Invitae Variant Classification Sherloc (09022015). Collection method: clinical testing. Allele origin: germline.
Comment: This sequence change creates a premature translational stop signal (p.Cys276*) in the SGCA gene. It is expected to result in an absent or disrupted protein product. Loss-of-function variants in SGCA are known to be pathogenic (PMID: 9192266). This variant is not present in population databases (ExAC no frequency). This variant has not been reported in the literature in individuals affected with SGCA-related conditions. For these reasons, this variant has been classified as Pathogenic.

Literature cited by the submitters: PubMed 9192266.